The following is an entry in ClinVar:

NM_000393.5(COL5A2):c.3002G>C (p.Arg1001Pro)

Gene: COL5A2 (collagen type V alpha 2 chain; minus strand). Cytogenetic location: 2q32.2.
Variant type: single nucleotide variant.
Coding change: c.3002G>C on transcript NM_000393.5 (MANE Select); coding-DNA position 3002, G replaced by C.
Protein change: p.Arg1001Pro; replaces arginine 1001 with proline.
Molecular consequence: missense variant.
Genome position (GRCh38, 1-based): chr2:189,050,606, C>G on the plus strand (G>C on the coding strand, the complement: COL5A2 is on the minus strand). VCF-style: chr2-189050606-C-G. GRCh37 (hg19) VCF-style: chr2-189915332-C-G.
Other names: short protein forms R1001P.
Identifiers: ClinVar variation 2663116 (VCV002663116.1), dbSNP rs1216356488, ClinGen allele CA349866975.

ClinVar aggregate classification (germline): Uncertain significance (1 of 4 stars; one submission).

Submission:

GeneDx
Classification: Uncertain significance. Last evaluated: 2023-05-03. Review status: criteria provided, single submitter. Criteria: GeneDx Variant Classification Process June 2021. Collection method: clinical testing. Allele origin: germline. Affected: yes.
Comment: Has not been previously published as pathogenic or benign to our knowledge; Not observed at significant frequency in large population cohorts (gnomAD); In silico analysis supports that this missense variant has a deleterious effect on protein structure/function